The following is an entry in ClinVar:

ClinVar aggregate classification (germline): Likely benign. Review status: criteria provided, single submitter (1 of 4 stars). 2 submissions from 2 submitters: Likely benign (1). 1 of the submissions does not count toward it. Last evaluated 2022-11-01.

Conditions:
EPPK1-related disorder. Also called: EPPK1-related condition.

Allele frequency attached by ClinVar (database versions not stated): 1000 Genomes Project 30x 0.00016; 1000 Genomes Project 0.00020; ExAC 0.00100; gnomAD 0.00106; TOPMed 0.00110; gnomAD exomes 0.00144; ESP Exome Variant Server 0.00153.
gnomAD v4.1: 2,238 of 1,613,072 alleles (0.14%); highest among the groups gnomAD compares: Non-Finnish European, 0.17%; 2 homozygotes.

Submissions (2):

CeGaT Center for Human Genetics Tuebingen
Classification: Likely benign. Last evaluated: 2022-11-01. Review status: criteria provided, single submitter. Criteria: CeGaT Center For Human Genetics Tuebingen Variant Classification Criteria Version 2. Collection method: clinical testing. Allele origin: germline. Affected: yes. Observed: 3 variant alleles.
Comment: EPPK1: BP4, BP7

PreventionGenetics, part of Exact Sciences
Classification: Likely benign for EPPK1-related condition. Last evaluated: 2021-04-29. Review status: no assertion criteria provided. Collection method: clinical testing. Allele origin: germline. Not counted in ClinVar's aggregate classification.
Comment: This variant is classified as likely benign based on ACMG/AMP sequence variant interpretation guidelines (Richards et al. 2015 PMID: 25741868, with internal and published modifications).

NM_031308.4(EPPK1):c.5073C>T (p.Ile1691=)

Gene: EPPK1 (epiplakin 1; minus strand). Cytogenetic location: 8q24.3.
Variant type: single nucleotide variant.
Coding change: c.5073C>T on transcript NM_031308.4 (MANE Select); coding-DNA position 5073, C replaced by T.
Protein change: p.Ile1691=; no amino-acid change (isoleucine 1691 retained).
Molecular consequence: synonymous variant.
Genome position (GRCh38, 1-based): chr8:143,868,181, G>A on the plus strand (C>T on the coding strand, the complement: EPPK1 is on the minus strand). VCF-style: chr8-143868181-G-A. GRCh37 (hg19) VCF-style: chr8-144942349-G-A.
Identifiers: ClinVar variation 2658932 (VCV002658932.25), dbSNP rs200293863, ClinGen allele CA4922275.